The following is an entry in ClinVar:

NM_001478.5(B4GALNT1):c.877C>T (p.Arg293Trp)

Gene: B4GALNT1 (beta-1,4-N-acetyl-galactosaminyltransferase 1; minus strand). Cytogenetic location: 12q13.3.
Variant type: single nucleotide variant.
Coding change: c.877C>T on transcript NM_001478.5 (MANE Select); coding-DNA position 877, C replaced by T.
Protein change: p.Arg293Trp; replaces arginine 293 with tryptophan.
Molecular consequence: missense variant.
Genome position (GRCh38, 1-based): chr12:57,628,838, G>A on the plus strand (C>T on the coding strand, the complement: B4GALNT1 is on the minus strand). VCF-style: chr12-57628838-G-A. GRCh37 (hg19) VCF-style: chr12-58022621-G-A.
Other names: c.712C>T, p.Arg238Trp (NM_001276468.2); c.877C>T (NM_001478.3); short protein forms R238W, R293W.
Identifiers: ClinVar variation 1003657 (VCV001003657.7), dbSNP rs769436121, ClinGen allele CA6655610.

ClinVar aggregate classification (germline): Uncertain significance. Review status: criteria provided, multiple submitters, no conflicts (2 of 4 stars). 2 submissions from 2 submitters: Uncertain significance (2). Last evaluated 2024-12-04.

Conditions:
Inborn genetic diseases. Identifiers: MedGen C0950123, MeSH D030342.
Spastic paraplegia. Identifiers: MedGen C0037772, HP:0001258.

Allele frequency attached by ClinVar (database versions not stated): gnomAD exomes 0.00006 and 0.00005; TOPMed 0.00011; ExAC 0.00006.
gnomAD v4.1: 79 of 1,614,102 alleles (0.0049%); highest among the groups gnomAD compares: South Asian, 0.037%; 1 homozygote.

Submissions (2):

Ambry Genetics
Classification: Uncertain significance for Inborn genetic diseases. Last evaluated: 2024-12-04. Review status: criteria provided, single submitter. Criteria: Ambry Variant Classification Scheme 2023. Collection method: clinical testing. Allele origin: germline.

Labcorp Genetics (formerly Invitae), Labcorp
Classification: Uncertain significance for Spastic paraplegia. Last evaluated: 2021-08-27. Review status: criteria provided, single submitter. Criteria: Invitae Variant Classification Sherloc (09022015). Collection method: clinical testing. Allele origin: germline.
Comment: This sequence change replaces arginine with tryptophan at codon 293 of the B4GALNT1 protein (p.Arg293Trp). The arginine residue is moderately conserved and there is a moderate physicochemical difference between arginine and tryptophan. This variant is present in population databases (rs769436121, ExAC 0.03%), including at least one homozygous and/or hemizygous individual. This variant has not been reported in the literature in individuals affected with B4GALNT1-related conditions. Algorithms developed to predict the effect of missense changes on protein structure and function (SIFT, PolyPhen-2, Align-GVGD) all suggest that this variant is likely to be disruptive. In summary, the available evidence is currently insufficient to determine the role of this variant in disease. Therefore, it has been classified as a Variant of Uncertain Significance.